The following is an entry in ClinVar:

ClinVar aggregate classification (germline): Pathogenic. Review status: criteria provided, single submitter (1 of 4 stars). 2 submissions from 2 submitters: Pathogenic (1). 1 of the submissions does not count toward it. Last evaluated 2021-09-17.

Conditions:
Lysinuric protein intolerance (LPI). Identifiers: Orphanet 470, MedGen C0268647, MONDO:0009109, OMIM 222700.

Submissions (2):

Labcorp Genetics (formerly Invitae), Labcorp
Classification: Pathogenic for Lysinuric protein intolerance. Last evaluated: 2021-09-17. Review status: criteria provided, single submitter. Criteria: Invitae Variant Classification Sherloc (09022015). Collection method: clinical testing. Allele origin: germline.
Comment: Algorithms developed to predict the effect of sequence changes on RNA splicing suggest that this variant may disrupt the consensus splice site. For these reasons, this variant has been classified as Pathogenic. ClinVar contains an entry for this variant (Variation ID: 56382). This variant is also known as IVS6+1G>T. Disruption of this splice site has been observed in individual(s) with lysinuric protein intolerance (PMID: 10631139). In at least one individual the data is consistent with the variant being in trans (on the opposite chromosome) from a pathogenic variant. This variant is not present in population databases (ExAC no frequency). This sequence change affects a donor splice site in intron 7 of the SLC7A7 gene. It is expected to disrupt RNA splicing. Variants that disrupt the donor or acceptor splice site typically lead to a loss of protein function (PMID: 16199547), and loss-of-function variants in SLC7A7 are known to be pathogenic (PMID: 10631139, 17764084).

Juha Muilu Group; Institute for Molecular Medicine Finland (FIMM)
Classification: Likely pathogenic for Lysinuric protein intolerance. Review status: no assertion criteria provided. Collection method: not provided. Allele origin: unknown. Not counted in ClinVar's aggregate classification.
Comment: FinDis database variant: This variant was not found or characterized by our laboratory, data were collected from public sources: see reference
ClinVar note: Converted during submission from probable-pathogenic to Likely pathogenic.

Literature cited by the submitters: PubMed 10631139 (cited by Labcorp Genetics (formerly Invitae), Labcorp); PubMed 16199547 (cited by Labcorp Genetics (formerly Invitae), Labcorp); PubMed 17764084 (cited by Labcorp Genetics (formerly Invitae), Labcorp).

NM_003982.4(SLC7A7):c.998+1G>T

Gene: SLC7A7 (solute carrier family 7 member 7; minus strand). Cytogenetic location: 14q11.2.
Variant type: single nucleotide variant.
Coding change: c.998+1G>T on transcript NM_003982.4 (MANE Select); the canonical splice donor site of the intron after coding-DNA position 998, G replaced by T.
Molecular consequence: splice donor variant.
Genome position (GRCh38, 1-based): chr14:22,775,832, C>A on the plus strand (G>T on the coding strand, the complement: SLC7A7 is on the minus strand). VCF-style: chr14-22775832-C-A. GRCh37 (hg19) VCF-style: chr14-23245041-C-A.
Other names: c.998+1G>T (NM_001126106.4, NM_001126105.3).
Identifiers: ClinVar variation 56382 (VCV000056382.9), dbSNP rs386833828, ClinGen allele CA263855.